The following is an entry in ClinVar:

ClinVar aggregate classification (germline): Uncertain significance (1 of 4 stars; one submission).

Conditions:
Hereditary cancer-predisposing syndrome. Also called: Tumor predisposition; Neoplastic Syndromes, Hereditary; Hereditary neoplastic syndrome; Hereditary Cancer Syndrome. Identifiers: Orphanet 140162, MedGen C0027672, MeSH D009386, MONDO:0015356.

Submission:

Ambry Genetics
Classification: Uncertain significance for Hereditary cancer-predisposing syndrome. Last evaluated: 2024-10-25. Review status: criteria provided, single submitter. Criteria: Ambry Variant Classification Scheme 2023. Collection method: clinical testing. Allele origin: germline.
Comment: The p.F164V variant (also known as c.490T>G), located in coding exon 4 of the SMARCB1 gene, results from a T to G substitution at nucleotide position 490. The phenylalanine at codon 164 is replaced by valine, an amino acid with highly similar properties. This amino acid position is conserved. In addition, this alteration is predicted to be deleterious by in silico analysis. Based on the available evidence, the clinical significance of this variant remains unclear.

NM_003073.5(SMARCB1):c.490T>G (p.Phe164Val)

Gene: SMARCB1 (SWI/SNF related BAF chromatin remodeling complex subunit B1; plus strand). Cytogenetic location: 22q11.23.
Variant type: single nucleotide variant.
Coding change: c.490T>G on transcript NM_003073.5 (MANE Select); coding-DNA position 490, T replaced by G.
Protein change: p.Phe164Val; replaces phenylalanine 164 with valine.
Molecular consequence: missense variant.
Genome position (GRCh38, 1-based): chr22:23,801,071, T>G. VCF-style: chr22-23801071-T-G. GRCh37 (hg19) VCF-style: chr22-24143258-T-G.
Other names: c.463T>G, p.Phe155Val (NM_001007468.3, NM_001317946.2); c.490T>G, p.Phe164Val (NM_001362877.2); short protein forms F155V, F164V.
Identifiers: ClinVar variation 3446086 (VCV003446086.1).
Genomic context (GRCh38, chr22:23,801,071, plus strand): 5'-GCCGTGCCATGCTCCACAACCATCAACAGGAACCGCATGGGCCGAGACAAGAAGAGAACC[T>G]TCCCCCTTTGGTGTGGATGCATCGCTGCACTCACCCTCCGTGCTGATTCCGCCTTAGTTC-3'
Protein context (NP_003064.2, residues 154-174): NRMGRDKKRT[Phe164Val]PLCFDDHDPA